The following is an entry in ClinVar:

ClinVar aggregate classification (germline): Conflicting classifications of pathogenicity. Review status: criteria provided, conflicting classifications (1 of 4 stars). 4 submissions from 4 submitters: Uncertain significance (1); Benign (1); Likely benign (2). Last evaluated 2026-01-15.

Allele frequency attached by ClinVar (database versions not stated): gnomAD exomes 0.00101; TOPMed 0.00106; ExAC 0.00110; gnomAD 0.00118 and 0.00123; ESP Exome Variant Server 0.00131.
gnomAD v4.1: 2,716 of 1,608,944 alleles (0.17%); highest among the groups gnomAD compares: Non-Finnish European, 0.22%; 5 homozygotes.

Submissions (4):

Labcorp Genetics (formerly Invitae), Labcorp
Classification: Benign. Last evaluated: 2026-01-15. Review status: criteria provided, single submitter. Criteria: Invitae Variant Classification Sherloc (09022015). Collection method: clinical testing. Allele origin: germline.

Blueprint Genetics
Classification: Likely benign. Last evaluated: 2024-11-25. Review status: criteria provided, single submitter. Criteria: ACMG Guidelines, 2015. Collection method: clinical testing. Allele origin: germline.

CeGaT Center for Human Genetics Tuebingen
Classification: Likely benign. Last evaluated: 2024-10-01. Review status: criteria provided, single submitter. Criteria: CeGaT Center For Human Genetics Tuebingen Variant Classification Criteria Version 2. Collection method: clinical testing. Allele origin: germline. Affected: yes. Observed: 1 variant allele.
Comment: DYNC2LI1: BS1

Eurofins Ntd Llc (ga)
Classification: Uncertain significance. Last evaluated: 2017-10-05. Review status: criteria provided, single submitter. Criteria: EGL Classification Definitions 2015. Collection method: clinical testing. Allele origin: germline. Observed: 1 variant allele, 1 heterozygote.

NM_016008.4(DYNC2LI1):c.508-4G>A

Gene: DYNC2LI1 (dynein cytoplasmic 2 light intermediate chain 1; plus strand). Cytogenetic location: 2p21.
Variant type: single nucleotide variant.
Coding change: c.508-4G>A on transcript NM_016008.4 (MANE Select); 4 bases into the intron before coding-DNA position 508, G replaced by A.
Molecular consequence: intron variant. On other transcripts: splice acceptor variant (2).
Genome position (GRCh38, 1-based): chr2:43,795,886, G>A. VCF-style: chr2-43795886-G-A. GRCh37 (hg19) VCF-style: chr2-44023025-G-A.
Other names: c.508-1G>A (NM_001348913.2, NM_001193464.2); c.508-4G>A (NM_001348912.2).
Identifiers: ClinVar variation 594405 (VCV000594405.30), dbSNP rs201151187, ClinGen allele CA1635886.